The following is an entry in ClinVar:

NM_001077365.2(POMT1):c.1825+198C>G

Gene: POMT1 (protein O-mannosyltransferase 1; plus strand). Cytogenetic location: 9q34.13.
Variant type: single nucleotide variant.
Coding change: c.1825+198C>G on transcript NM_001077365.2 (MANE Select); 198 bases into the intron after coding-DNA position 1825, C replaced by G.
Molecular consequence: intron variant.
Genome position (GRCh38, 1-based): chr9:131,521,670, C>G. VCF-style: chr9-131521670-C-G. GRCh37 (hg19) VCF-style: chr9-134397057-C-G.
Other names: c.1729+198C>G (NM_001353198.2, NM_001353197.2); c.1891+198C>G (NM_001353193.2, NM_007171.4); c.1825+198C>G (NM_001136113.2); c.1663+198C>G (NM_001353194.2, NM_001077366.2); c.1474+198C>G (NM_001374691.1, NM_001353195.2, NM_001374692.1 and 2 more transcripts); c.1606+198C>G (NM_001374690.1); c.1735+198C>G (NM_001353196.2); c.1435+198C>G (NM_001374695.1); and 3 more.
Identifiers: ClinVar variation 668013 (VCV000668013.1), dbSNP rs7849433, ClinGen allele CA13040155.
Genomic context (GRCh38, chr9:131,521,670, plus strand): 5'-GTGCGCTGAGCATTCACCGCCTCAAGTGACAAACCGACTTCATAGGAACCTACCCCTTAA[C>G]GCGGCCTCTTTGTTTCTGTATTGTGGAATCTTAAATTATGTTTGTCTCCCAAGAGACAAA-3'

ClinVar aggregate classification (germline): Benign (1 of 4 stars; one submission).

Allele frequency attached by ClinVar (database versions not stated): 1000 Genomes Project 30x 0.86649; TOPMed 0.86856; 1000 Genomes Project 0.87041; gnomAD 0.88242 and 0.88686.
gnomAD v4.1: 135,033 of 152,226 alleles (89%); highest among the groups gnomAD compares: South Asian, 97%; 60,596 homozygotes.

Submission:

GeneDx
Classification: Benign. Last evaluated: 2018-06-14. Review status: criteria provided, single submitter. Criteria: GeneDx Variant Classification (06012015). Collection method: clinical testing. Allele origin: germline. Affected: yes.
Comment: This variant is considered likely benign or benign based on one or more of the following criteria: it is a conservative change, it occurs at a poorly conserved position in the protein, it is predicted to be benign by multiple in silico algorithms, and/or has population frequency not consistent with disease.